The following is an entry in ClinVar:

NM_006389.5(HYOU1):c.193C>T (p.Arg65Trp)

Gene: HYOU1 (hypoxia up-regulated 1; minus strand). Cytogenetic location: 11q23.3.
Variant type: single nucleotide variant.
Coding change: c.193C>T on transcript NM_006389.5 (MANE Select); coding-DNA position 193, C replaced by T.
Protein change: p.Arg65Trp; replaces arginine 65 with tryptophan.
Molecular consequence: missense variant.
Genome position (GRCh38, 1-based): chr11:119,055,564, G>A on the plus strand (C>T on the coding strand, the complement: HYOU1 is on the minus strand). VCF-style: chr11-119055564-G-A. GRCh37 (hg19) VCF-style: chr11-118926276-G-A.
Other names: c.193C>T, p.Arg65Trp (NM_001130991.3, NM_001411041.1); short protein forms R65W.
Identifiers: ClinVar variation 1940011 (VCV001940011.5), dbSNP rs1368178650, ClinGen allele CA382954128.

ClinVar aggregate classification (germline): Uncertain significance (1 of 4 stars; one submission).

Allele frequency attached by ClinVar (database versions not stated): TOPMed below 0.00001.
gnomAD v4.1: 8 of 1,613,978 alleles (0.0005%); highest among the groups gnomAD compares: Admixed American, 0.0017%; no homozygotes.

Submission:

Labcorp Genetics (formerly Invitae), Labcorp
Classification: Uncertain significance. Last evaluated: 2024-10-15. Review status: criteria provided, single submitter. Criteria: Invitae Variant Classification Sherloc (09022015). Collection method: clinical testing. Allele origin: germline.
Comment: This sequence change replaces arginine, which is basic and polar, with tryptophan, which is neutral and slightly polar, at codon 65 of the HYOU1 protein (p.Arg65Trp). This variant is present in population databases (no rsID available, gnomAD 0.003%). This variant has not been reported in the literature in individuals affected with HYOU1-related conditions. ClinVar contains an entry for this variant (Variation ID: 1940011). An algorithm developed to predict the effect of missense changes on protein structure and function (PolyPhen-2) suggests that this variant is likely to be disruptive. In summary, the available evidence is currently insufficient to determine the role of this variant in disease. Therefore, it has been classified as a Variant of Uncertain Significance.